The following is an entry in ClinVar:

NM_144672.4(OTOA):c.2207G>A (p.Gly736Glu)

Gene: OTOA (otoancorin). Cytogenetic location: 16p12.2.
Variant type: single nucleotide variant.
Coding change: c.2207G>A on transcript NM_144672.4 (MANE Select); coding-DNA position 2207, G replaced by A.
Protein change: p.Gly736Glu; replaces glycine 736 with glutamic acid.
Molecular consequence: missense variant.
Genome position (GRCh38, 1-based): chr16:21,728,431, G>A. VCF-style: chr16-21728431-G-A. GRCh37 (hg19) VCF-style: chr16-21739752-G-A.
Other names: c.1970G>A, p.Gly657Glu (NM_001161683.2); c.1235G>A, p.Gly412Glu (NM_170664.3); short protein forms G657E, G412E, G736E.
Identifiers: ClinVar variation 869479 (VCV000869479.12), dbSNP rs140364490, ClinGen allele CA7952911.
Genomic context (GRCh38, chr16:21,728,431, plus strand): 5'-GCCCAGACCTCAACCCTGAGCAAAAGGCTGCAGTGAGGCTCAAGCTCCTGGGACAGTATG[G>A]GTGAGGAGCGGCTGGGTTTGGCTTTTGGTGGTGTGGTATGCTCTGTGGAGGGACACTCAA-3'
Protein context (NP_653273.3, residues 726-746): AVRLKLLGQY[Gly736Glu]LPQHWTAETT

ClinVar aggregate classification (germline): Conflicting classifications of pathogenicity. Review status: criteria provided, conflicting classifications (1 of 4 stars). 6 submissions from 6 submitters: Pathogenic (2); Likely pathogenic (2); Uncertain significance (2). Last evaluated 2026-09-09.

Conditions:
OTOA-related disorder. Also called: OTOA-related condition.
Autosomal recessive nonsyndromic hearing loss 22. Identifiers: Orphanet 90636, MedGen C1846896, MONDO:0011762, OMIM 607039.

Allele frequency attached by ClinVar (database versions not stated): TOPMed 0.00001; gnomAD 0.00002; gnomAD exomes 0.00002; ExAC 0.00004.
gnomAD v4.1: 73 of 1,613,504 alleles (0.0045%); highest among the groups gnomAD compares: Non-Finnish European, 0.0061%; no homozygotes.

Submissions (6):

GeneDx
Classification: Likely pathogenic. Last evaluated: 2026-09-09. Review status: criteria provided, single submitter. Criteria: GeneDx Variant Classification Process June 2021. Collection method: clinical testing. Allele origin: germline.
Comment: Reported with an intragenic orlarger genomic deletion in unrelated patients with hearing loss in published literature (PMID: 31152317, 31827275); Alters the last nucleotide of the exon and is predicted to destroy the splice donor site and result in aberrant splicing, although in the absence of functional evidence the actual effect of this sequence change is unknown; Not observed at significant frequency in large population cohorts (gnomAD); This variant is associated with the following publications: (PMID: 31827275, 31152317)

PreventionGenetics, part of Exact Sciences
Classification: Likely pathogenic for OTOA-related condition. Last evaluated: 2026-02-24. Review status: criteria provided, single submitter. Criteria: ACMG Guidelines, 2015. Collection method: clinical testing. Allele origin: germline.
Comment: The OTOA c.2207G>A variant is predicted to result in the amino acid substitution p.Gly736Glu. This variant was reported in the compound heterozygous state with a full gene deletion in two individuals with hearing loss (Table S1, van Beeck Calkoen et al. 2019. PubMed ID: 31152317; Downie et al. 2019. PubMed ID: 31827275). At PreventionGenetics this variant was also detected in two patients undergoing genetic testing for hearing loss, one of which also had an OTOA full gene deletion and the other had a second likely pathogenic OTOA sequence variant (internal data). This variant is reported in 0.0062% of alleles in individuals of African descent in gnomAD. This variant is interpreted is likely pathogenic.

Women's Health and Genetics/Laboratory Corporation of America, LabCorp
Classification: Uncertain significance. Last evaluated: 2025-04-08. Review status: criteria provided, single submitter. Criteria: LabCorp Variant Classification Summary - May 2015. Collection method: clinical testing. Allele origin: germline.
Comment: Variant summary: OTOA c.2207G>A (p.Gly736Glu) results in a non-conservative amino acid change in the encoded protein sequence. Five of five in-silico tools predict a damaging effect of the variant on protein function. Several computational tools predict a significant impact on normal splicing: Two predict the variant abolishes a 5' splicing donor site. Two predict the variant weakens a 5' donor site. One predict the variant strengthens a cryptic 5' donor site. However, these predictions have yet to be confirmed by functional studies. The variant allele was found at a frequency of 2e-05 in 249704 control chromosomes. c.2207G>A has been reported in the literature in individuals affected with Autosomal Recessive Nonsyndromic Hearing Loss (e.g., Downie_2020, van Beeck_2019). These data indicate that the variant may be associated with disease. To our knowledge, no experimental evidence demonstrating an impact on protein function has been reported. The following publications have been ascertained in the context of this evaluation (PMID: 31827275, 31152317). ClinVar contains an entry for this variant (Variation ID: 869479). Based on the evidence outlined above, the variant was classified as VUS-possibly pathogenic.

Labcorp Genetics (formerly Invitae), Labcorp
Classification: Pathogenic. Last evaluated: 2024-01-11. Review status: criteria provided, single submitter. Criteria: Invitae Variant Classification Sherloc (09022015). Collection method: clinical testing. Allele origin: germline.
Comment: This sequence change replaces glycine, which is neutral and non-polar, with glutamic acid, which is acidic and polar, at codon 736 of the OTOA protein (p.Gly736Glu). This variant also falls at the last nucleotide of exon 19, which is part of the consensus splice site for this exon. This variant is present in population databases (rs140364490, gnomAD 0.007%). This missense change has been observed in individual(s) with deafness (PMID: 31152317, 31827275). In at least one individual the data is consistent with being in trans (on the opposite chromosome) from a pathogenic variant. ClinVar contains an entry for this variant (Variation ID: 869479). An algorithm developed to predict the effect of missense changes on protein structure and function (PolyPhen-2) suggests that this variant is likely to be disruptive. Variants that disrupt the consensus splice site are a relatively common cause of aberrant splicing (PMID: 17576681, 9536098). Algorithms developed to predict the effect of sequence changes on RNA splicing suggest that this variant may disrupt the consensus splice site. For these reasons, this variant has been classified as Pathogenic.

Blueprint Genetics
Classification: Pathogenic for OTOA-related disorders. Last evaluated: 2023-08-22. Review status: criteria provided, single submitter. Criteria: ACMG Guidelines, 2015. Collection method: clinical testing. Allele origin: germline. Affected: yes. Observed: 2 variant alleles.

Victorian Clinical Genetics Services, Murdoch Childrens Research Institute
Classification: Uncertain significance for Autosomal recessive nonsyndromic hearing loss 22. Last evaluated: 2017-11-28. Review status: criteria provided, single submitter. Criteria: ACMG Guidelines, 2015. Collection method: clinical testing. Allele origin: unknown. Affected: yes.
Comment: A hemizygous missensevariant, NM_144672.3(OTOA):c.2207G>A, has been identified in exon 19 of 28 of the OTOA gene. The variant is predicted to result in a moderate amino acid change from a glycine to a glutamic acidat position 736 of the protein, NP_653273.3(OTOA):p.(Gly736Glu) and/or a splice site change leading to aberrant splicing. Further testing via RNA studies are required to confirm if splicing is altered. In silico predictions for this variant are consistently pathogenic and indicate possible loss of a donor site (Polyphen, SIFT, CADD, Mutation Taster, FruitFly, NetGene2, HumanSpliceFinder). The glycine residue at this position has moderate conservation (100 vertebrates, UCSC) and is not located within a particular domain. The variant is present in the gnomAD database at a frequency of 0.0016% (4 heterozygotes) and has been previously described as pathogenic in the Deafness Variation Database. Based on the information available at the time of curation, this variant has been classified as a VARIANT of UNCERTAIN SIGNIFICANCE (VUS) with POTENTIAL CLINICAL RELEVANCE.

Literature cited by the submitters: PubMed 31827275 (cited by Women's Health and Genetics/Laboratory Corporation of America, LabCorp and Labcorp Genetics (formerly Invitae), Labcorp); PubMed 31152317 (cited by Women's Health and Genetics/Laboratory Corporation of America, LabCorp and Labcorp Genetics (formerly Invitae), Labcorp); PubMed 17576681 (cited by Labcorp Genetics (formerly Invitae), Labcorp); PubMed 9536098 (cited by Labcorp Genetics (formerly Invitae), Labcorp).